The following is an entry in ClinVar:

NM_001135651.3(EIF2AK2):c.1413C>G (p.Leu471=)

Gene: EIF2AK2 (eukaryotic translation initiation factor 2 alpha kinase 2; minus strand). Cytogenetic location: 2p22.2.
Variant type: single nucleotide variant.
Coding change: c.1413C>G on transcript NM_001135651.3 (MANE Select); coding-DNA position 1413, C replaced by G.
Protein change: p.Leu471=; no amino-acid change (leucine 471 retained).
Molecular consequence: synonymous variant.
Genome position (GRCh38, 1-based): chr2:37,109,260, G>C on the plus strand (C>G on the coding strand, the complement: EIF2AK2 is on the minus strand). VCF-style: chr2-37109260-G-C. GRCh37 (hg19) VCF-style: chr2-37336403-G-C.
Other names: p.Leu471=; c.1290C>G, p.Leu430= (NM_001135652.3); c.1413C>G, p.Leu471= (NM_002759.4).
Identifiers: ClinVar variation 1571185 (VCV001571185.10), dbSNP rs2307469, ClinGen allele CA1615004.
Genomic context (GRCh38, chr2:37,109,260, plus strand): 5'-TGTTTCAAAAGCAGTGTCACATACATGAAGAAGTTCAGCAAGAATTAGCCCCAAAGCGTA[G>C]AGGTCCACTTCCTTTCCATAGTCTTGCGAAGAAATCTAAAGAGACCAAAATAGATTTACC-3'
Protein context (NP_001129123.1, residues 461-481): SSQDYGKEVD[Leu471=]YALGLILAEL

ClinVar aggregate classification (germline): Benign. Review status: criteria provided, multiple submitters, no conflicts (2 of 4 stars). 3 submissions from 3 submitters: Benign (3). Last evaluated 2026-01-26.

Allele frequency attached by ClinVar (database versions not stated): 1000 Genomes Project 30x 0.02124; 1000 Genomes Project 0.02196; gnomAD exomes 0.02866 and 0.03083; TOPMed 0.02874; gnomAD 0.02885 and 0.02946; ExAC 0.02909; ESP Exome Variant Server 0.03052.
gnomAD v4.1: 49,491 of 1,613,908 alleles (3.1%); highest among the groups gnomAD compares: Middle Eastern, 4%; 844 homozygotes.

Submissions (3):

Labcorp Genetics (formerly Invitae), Labcorp
Classification: Benign. Last evaluated: 2026-01-26. Review status: criteria provided, single submitter. Criteria: Invitae Variant Classification Sherloc (09022015). Collection method: clinical testing. Allele origin: germline.

Mayo Clinic Laboratories, Mayo Clinic
Classification: Benign. Last evaluated: 2023-02-15. Review status: criteria provided, single submitter. Criteria: ACMG Guidelines, 2015. Collection method: clinical testing. Allele origin: germline. Observed: 10 variant alleles.
Comment: BS1, BS2, BP4, BP7

Breakthrough Genomics
Classification: Benign. Review status: criteria provided, single submitter. Criteria: ACMG Guidelines, 2015. Collection method: not provided. Allele origin: germline. Inheritance: Autosomal dominant inheritance. Affected: yes.